The following is an entry in ClinVar:

NM_024642.5(GALNT12):c.627G>C (p.Val209=)

Gene: GALNT12 (polypeptide N-acetylgalactosaminyltransferase 12; plus strand). Cytogenetic location: 9q22.33.
Variant type: single nucleotide variant.
Coding change: c.627G>C on transcript NM_024642.5 (MANE Select); coding-DNA position 627, G replaced by C.
Protein change: p.Val209=; no amino-acid change (valine 209 retained).
Molecular consequence: synonymous variant.
Genome position (GRCh38, 1-based): chr9:98,826,837, G>C. VCF-style: chr9-98826837-G-C. GRCh37 (hg19) VCF-style: chr9-101589119-G-C.
Identifiers: ClinVar variation 4027979 (VCV004027979.2).
Genomic context (GRCh38, chr9:98,826,837, plus strand): 5'-TGAGCTTTCGGGACTGCCCAAGGTGCGCCTGATCCGCGCCAACAAGAGAGAGGGCCTGGT[G>C]CGAGCCCGGCTGCTGGGGGCGTCTGCGGCGAGGGGCGATGTTCTGACCTTCCTGGACTGT-3'
Protein context (NP_078918.3, residues 199-219): LIRANKREGL[Val209=]RARLLGASAA

ClinVar aggregate classification (germline): Benign/Likely benign. Review status: criteria provided, multiple submitters, no conflicts (2 of 4 stars). 2 submissions from 2 submitters: Benign (1); Likely benign (1). Last evaluated 2026-04-24.

Conditions:
Colorectal cancer, susceptibility to, 1. Also called: COLORECTAL ADENOMA AND CANCER, SUSCEPTIBILITY TO; COLORECTAL CANCER, SUSCEPTIBILITY TO, ON CHROMOSOME 9. Identifiers: MedGen C1837315, MONDO:0012132, OMIM 608812.

Submissions (2):

Myriad Genetics, Inc.
Classification: Benign for Colorectal cancer, susceptibility to, 1. Last evaluated: 2026-04-24. Review status: criteria provided, single submitter. Criteria: Myriad Autosomal Dominant, Autosomal Recessive and X-Linked Classification Criteria (2023). Collection method: clinical testing. Allele origin: unknown.
Comment: This variant is considered benign. This variant is a silent/synonymous amino acid change and it is not expected to impact splicing.

Ambry Genetics
Classification: Likely benign. Last evaluated: 2025-04-03. Review status: criteria provided, single submitter. Criteria: Ambry Variant Classification Scheme 2023. Collection method: clinical testing. Allele origin: germline.